The following is an entry in ClinVar:

ClinVar aggregate classification (germline): Uncertain significance (1 of 4 stars; one submission).

gnomAD v4.1: 1 of 1,614,112 alleles (0.000062%); highest among the groups gnomAD compares: East Asian, 0.0022%; no homozygotes.

Submission:

Labcorp Genetics (formerly Invitae), Labcorp
Classification: Uncertain significance. Last evaluated: 2024-12-30. Review status: criteria provided, single submitter. Criteria: Invitae Variant Classification Sherloc (09022015). Collection method: clinical testing. Allele origin: germline.
Comment: This sequence change replaces asparagine, which is neutral and polar, with serine, which is neutral and polar, at codon 596 of the NTRK2 protein (p.Asn596Ser). This variant is not present in population databases (gnomAD no frequency). This variant has not been reported in the literature in individuals affected with NTRK2-related conditions. Invitae Evidence Modeling of protein sequence and biophysical properties (such as structural, functional, and spatial information, amino acid conservation, physicochemical variation, residue mobility, and thermodynamic stability) indicates that this missense variant is not expected to disrupt NTRK2 protein function with a negative predictive value of 95%. In summary, the available evidence is currently insufficient to determine the role of this variant in disease. Therefore, it has been classified as a Variant of Uncertain Significance.

NM_006180.6(NTRK2):c.1787A>G (p.Asn596Ser)

Gene: NTRK2 (neurotrophic receptor tyrosine kinase 2; plus strand). Cytogenetic location: 9q21.33.
Variant type: single nucleotide variant.
Coding change: c.1787A>G on transcript NM_006180.6 (MANE Select); coding-DNA position 1787, A replaced by G.
Protein change: p.Asn596Ser; replaces asparagine 596 with serine.
Molecular consequence: missense variant.
Genome position (GRCh38, 1-based): chr9:84,948,484, A>G. VCF-style: chr9-84948484-A-G. GRCh37 (hg19) VCF-style: chr9-87563399-A-G.
Other names: c.1739A>G, p.Asn580Ser (NM_001018064.3, NM_001369532.1, NM_001369533.1); c.1703A>G, p.Asn568Ser (NM_001369534.1); c.1271A>G, p.Asn424Ser (NM_001369535.1); c.1319A>G, p.Asn440Ser (NM_001369536.1); short protein forms N568S, N596S, N440S, N580S, N424S.
Identifiers: ClinVar variation 3635822 (VCV003635822.2).